The following is an entry in ClinVar:

ClinVar aggregate classification (germline): Pathogenic/Likely pathogenic. Review status: criteria provided, multiple submitters, no conflicts (2 of 4 stars). 5 submissions from 5 submitters: Pathogenic (1); Likely pathogenic (3). 1 of the submissions does not count toward it. Last evaluated 2024-12-13.

Conditions:
MPI-congenital disorder of glycosylation. Also called: CONGENITAL DISORDER OF GLYCOSYLATION, TYPE Ib; CDG Ib; MANNOSEPHOSPHATE ISOMERASE DEFICIENCY; MPI DEFICIENCY; PROTEIN-LOSING ENTEROPATHY-HEPATIC FIBROSIS SYNDROME; MPI-CDG. Identifiers: Orphanet 79319, MedGen C1865145, MONDO:0011257, OMIM 602579.

Allele frequency attached by ClinVar (database versions not stated): gnomAD exomes below 0.00001; TOPMed below 0.00001; gnomAD 0.00001.

Submissions (5):

Natera, Inc.
Classification: Likely pathogenic for Congenital disorder of glycosylation type 1b. Last evaluated: 2024-12-13. Review status: criteria provided, single submitter. Criteria: Natera Variant Classification Schema (03/2026). Collection method: clinical testing. Allele origin: germline.
Comment: The c.652A>T variant in MPI is a nonsense variant predicted to introduce a stop codon at amino acid 218. This variant is expected to result in nonsense mediated decay, truncation, or a dysfunctional protein product. This variant is rare in the general population with a frequency below the threshold expected for the associated phenotype(s). Given the available evidence, this variant is classified as Likely Pathogenic.

Labcorp Genetics (formerly Invitae), Labcorp
Classification: Pathogenic for MPI-congenital disorder of glycosylation. Last evaluated: 2024-10-15. Review status: criteria provided, single submitter. Criteria: Invitae Variant Classification Sherloc (09022015). Collection method: clinical testing. Allele origin: germline.
Comment: This sequence change creates a premature translational stop signal (p.Lys218*) in the MPI gene. It is expected to result in an absent or disrupted protein product. Loss-of-function variants in MPI are known to be pathogenic (PMID: 19862844). This variant is not present in population databases (gnomAD no frequency). This variant has not been reported in the literature in individuals affected with MPI-related conditions. ClinVar contains an entry for this variant (Variation ID: 370355). For these reasons, this variant has been classified as Pathogenic.

Fulgent Genetics
Classification: Likely pathogenic for MPI-congenital disorder of glycosylation. Last evaluated: 2024-01-03. Review status: criteria provided, single submitter. Criteria: ACMG Guidelines, 2015. Collection method: clinical testing. Allele origin: germline.

Laboratorio de Genetica e Diagnostico Molecular, Hospital Israelita Albert Einstein
Classification: Likely pathogenic for MPI-congenital disorder of glycosylation. Last evaluated: 2022-10-17. Review status: criteria provided, single submitter. Criteria: ACMG Guidelines, 2015. Collection method: clinical testing. Allele origin: germline. Affected: yes. Observed: 1 variant allele.
Comment: ACMG classification criteria: PVS1 very strong, PM2 moderated

Counsyl
Classification: Likely pathogenic for MPI-congenital disorder of glycosylation. Last evaluated: 2016-01-18. Review status: no assertion criteria provided. Collection method: clinical testing. Allele origin: unknown. Not counted in ClinVar's aggregate classification.

Literature cited by the submitters: PubMed 19862844 (cited by Labcorp Genetics (formerly Invitae), Labcorp).

NM_002435.3(MPI):c.652A>T (p.Lys218Ter)

Gene: MPI (mannose phosphate isomerase; plus strand). Cytogenetic location: 15q24.1.
Variant type: single nucleotide variant.
Coding change: c.652A>T on transcript NM_002435.3 (MANE Select); coding-DNA position 652, A replaced by T.
Protein change: p.Lys218Ter; replaces lysine 218 with a stop codon.
Molecular consequence: nonsense. On other transcripts: intron variant (1).
Genome position (GRCh38, 1-based): chr15:74,893,302, A>T. VCF-style: chr15-74893302-A-T. GRCh37 (hg19) VCF-style: chr15-75185643-A-T.
Other names: c.652A>T (NM_002435.2); c.652A>T, p.Lys218Ter (NM_001289155.2); c.502A>T, p.Lys168Ter (NM_001289156.2); c.592A>T, p.Lys198Ter (NM_001330372.2); c.487+500A>T (NM_001289157.2); short protein forms K218*, K168*, K198*.
Identifiers: ClinVar variation 370355 (VCV000370355.10), dbSNP rs1057516424, ClinGen allele CA16041749.